The following is an entry in ClinVar:

NM_001271938.2(MEGF8):c.8036G>A (p.Arg2679Gln)

Gene: MEGF8 (multiple EGF like domains 8; plus strand). Cytogenetic location: 19q13.2.
Variant type: single nucleotide variant.
Coding change: c.8036G>A on transcript NM_001271938.2 (MANE Select); coding-DNA position 8036, G replaced by A.
Protein change: p.Arg2679Gln; replaces arginine 2679 with glutamine.
Molecular consequence: missense variant.
Genome position (GRCh38, 1-based): chr19:42,376,273, G>A. VCF-style: chr19-42376273-G-A. GRCh37 (hg19) VCF-style: chr19-42880425-G-A.
Other names: c.7835G>A, p.Arg2612Gln (NM_001410.3); short protein forms R2612Q, R2679Q.
Identifiers: ClinVar variation 4535616 (VCV004535616.1).

ClinVar aggregate classification (germline): Uncertain significance (1 of 4 stars; one submission).

gnomAD v4.1: 4 of 1,610,952 alleles (0.00025%); highest among the groups gnomAD compares: East Asian, 0.0022%; no homozygotes.

Submission:

Women's Health and Genetics/Laboratory Corporation of America, LabCorp
Classification: Uncertain significance. Last evaluated: 2025-09-10. Review status: criteria provided, single submitter. Criteria: LabCorp Variant Classification Summary - May 2015. Collection method: clinical testing. Allele origin: germline.
Comment: Variant summary: MEGF8 c.7835G>A (p.Arg2612Gln) results in a conservative amino acid change in the encoded protein sequence. Algorithms developed to predict the effect of missense changes on protein structure and function are either unavailable or do not agree on the potential impact of this missense change. The variant was absent in 241144 control chromosomes. The available data on variant occurrences in the general population are insufficient to allow any conclusion about variant significance. To our knowledge, no occurrence of c.7835G>A in individuals affected with MEGF8-related conditions and no experimental evidence demonstrating its impact on protein function have been reported. No submitters have cited clinical-significance assessments for this variant to ClinVar. Based on the evidence outlined above, the variant was classified as uncertain significance.